The following is an entry in ClinVar:

NM_003128.3(SPTBN1):c.2590T>C (p.Trp864Arg)

Gene: SPTBN1 (spectrin beta, non-erythrocytic 1; plus strand). Cytogenetic location: 2p16.2.
Variant type: single nucleotide variant.
Coding change: c.2590T>C on transcript NM_003128.3 (MANE Select); coding-DNA position 2590, T replaced by C.
Protein change: p.Trp864Arg; replaces tryptophan 864 with arginine.
Molecular consequence: missense variant.
Genome position (GRCh38, 1-based): chr2:54,629,724, T>C. VCF-style: chr2-54629724-T-C. GRCh37 (hg19) VCF-style: chr2-54856861-T-C.
Other names: c.2551T>C, p.Trp851Arg (NM_178313.3); short protein forms W851R, W864R.
Identifiers: ClinVar variation 3775285 (VCV003775285.1).

ClinVar aggregate classification (germline): Uncertain significance (1 of 4 stars; one submission).

Conditions:
Developmental delay, impaired speech, and behavioral abnormalities. Identifiers: MedGen C5561957, MONDO:0859178, OMIM 619475.

Submission:

3billion
Classification: Uncertain significance for Developmental delay, impaired speech, and behavioral abnormalities. Last evaluated: 2024-03-12. Review status: criteria provided, single submitter. Criteria: ACMG Guidelines, 2015. Collection method: clinical testing. Allele origin: germline. Affected: yes.
Comment: The variant is not observed in the gnomAD v2.1.1 dataset. Predicted Consequence/Location: Missense variant In silico tool predictions suggest damaging effect of the variant on gene or gene product [REVEL: 0.84 (>=0.6, sensitivity 0.68 and specificity 0.92); 3Cnet: 0.85 (>=0.6, sensitivity 0.72 and precision 0.9)]. Therefore, this variant is classified as VUS according to the recommendation of ACMG/AMP guideline.